The following is an entry in ClinVar:

NM_014846.4(WASHC5):c.2084T>G (p.Val695Gly)

Gene: WASHC5 (WASH complex subunit 5; minus strand). Cytogenetic location: 8q24.13.
Variant type: single nucleotide variant.
Coding change: c.2084T>G on transcript NM_014846.4 (MANE Select); coding-DNA position 2084, T replaced by G.
Protein change: p.Val695Gly; replaces valine 695 with glycine.
Molecular consequence: missense variant.
Genome position (GRCh38, 1-based): chr8:125,055,604, A>C on the plus strand (T>G on the coding strand, the complement: WASHC5 is on the minus strand). VCF-style: chr8-125055604-A-C. GRCh37 (hg19) VCF-style: chr8-126067846-A-C.
Other names: c.1640T>G, p.Val547Gly (NM_001330609.2); short protein forms V547G, V695G.
Identifiers: ClinVar variation 4866471 (VCV004866471.1).

ClinVar aggregate classification (germline): Uncertain significance (1 of 4 stars; one submission).

Conditions:
Inborn genetic diseases. Identifiers: MedGen C0950123, MeSH D030342.

Submission:

Ambry Genetics
Classification: Uncertain significance for Inborn genetic diseases. Last evaluated: 2026-06-01. Review status: criteria provided, single submitter. Criteria: Ambry Variant Classification Scheme 2023. Collection method: clinical testing. Allele origin: germline.
Comment: The c.2084T>G (p.V695G) alteration is located in exon 17 (coding exon 16) of the WASHC5 gene. This alteration results from a T to G substitution at nucleotide position 2084, causing the valine (V) at amino acid position 695 to be replaced by a glycine (G). This variant was not reported in population-based cohorts in the Genome Aggregation Database (gnomAD). This amino acid position is highly conserved in available vertebrate species. This alteration is predicted to be deleterious by in silico analysis. Based on insufficient or conflicting evidence, the clinical significance of this alteration remains unclear.